The following is an entry in ClinVar:

ClinVar aggregate classification (germline): Benign/Likely benign. Review status: criteria provided, multiple submitters, no conflicts (2 of 4 stars). 2 submissions from 2 submitters: Benign (1); Likely benign (1). Last evaluated 2025-03-18.

Conditions:
Juvenile polyposis/hereditary hemorrhagic telangiectasia syndrome (JPHT). Also called: Juvenile Polyposis Syndrome / Hereditary Hemorrhagic Telangiectasia (JPS/HHT); JP/HHT SYNDROME; JUVENILE POLYPOSIS WITH HEREDITARY HEMORRHAGIC TELANGIECTASIA; POLYPOSIS, GENERALIZED JUVENILE, WITH PULMONARY ARTERIOVENOUS MALFORMATION; TELANGIECTASIA, HEREDITARY HEMORRHAGIC, WITH JUVENILE POLYPOSIS COLI. Identifiers: Orphanet 2929, MedGen C1832942, MONDO:0008278, OMIM 175050.

Submissions (2):

Myriad Genetics, Inc.
Classification: Benign for Juvenile polyposis/hereditary hemorrhagic telangiectasia syndrome. Last evaluated: 2025-03-18. Review status: criteria provided, single submitter. Criteria: Myriad Autosomal Dominant, Autosomal Recessive and X-Linked Classification Criteria (2023). Collection method: clinical testing. Allele origin: unknown.
Comment: This variant is considered benign. This variant is a silent/synonymous amino acid change and it is not expected to impact splicing.

GeneDx
Classification: Likely benign. Last evaluated: 2017-03-09. Review status: criteria provided, single submitter. Criteria: GeneDx Variant Classification (06012015). Collection method: clinical testing. Allele origin: germline. Affected: yes.
Comment: This variant is considered likely benign or benign based on one or more of the following criteria: it is a conservative change, it occurs at a poorly conserved position in the protein, it is predicted to be benign by multiple in silico algorithms, and/or has population frequency not consistent with disease.

NM_005359.6(SMAD4):c.378C>T (p.Val126=)

Gene: SMAD4 (SMAD family member 4; plus strand). Cytogenetic location: 18q21.2.
Variant type: single nucleotide variant.
Coding change: c.378C>T on transcript NM_005359.6 (MANE Select); coding-DNA position 378, C replaced by T.
Protein change: p.Val126=; no amino-acid change (valine 126 retained).
Molecular consequence: synonymous variant.
Genome position (GRCh38, 1-based): chr18:51,048,814, C>T. VCF-style: chr18-51048814-C-T. GRCh37 (hg19) VCF-style: chr18-48575184-C-T.
Identifiers: ClinVar variation 506343 (VCV000506343.2), dbSNP rs1555685181, ClinGen allele CA503873608.
Genomic context (GRCh38, chr18:51,048,814, plus strand): 5'-AAATGAACTAAAACATGTTAAATATTGTCAGTATGCGTTTGACTTAAAATGTGATAGTGT[C>T]TGTGTGAATCCATATCACTACGAACGAGTTGTATCACCTGGAATTGGTAAGTAGACTTTG-3'
Protein context (NP_005350.1, residues 116-136): QYAFDLKCDS[Val126=]CVNPYHYERV